The following is an entry in ClinVar:

ClinVar aggregate classification (germline): Uncertain significance. Review status: criteria provided, multiple submitters, no conflicts (2 of 4 stars). 7 submissions from 6 submitters: Uncertain significance (7). Last evaluated 2026-07-01.

Conditions:
POLG-related disorder. Also called: POLG-Related Spectrum Disorders; POLG-related condition; POLG-Related Disorders. Identifiers: MedGen C4763519.
Progressive sclerosing poliodystrophy (MTDPS4A). Also called: Mitochondrial DNA depletion syndrome 4A (Alpers type); Alpers Syndrome; Mitochondrial DNA Depletion Syndrome 4A; Alpers-Huttenlocher Syndrome (AHS); ALPERS PROGRESSIVE INFANTILE POLIODYSTROPHY; NEURONAL DEGENERATION OF CHILDHOOD WITH LIVER DISEASE, PROGRESSIVE. Identifiers: Orphanet 726, MedGen C0205710, MONDO:0008758, OMIM 203700.
Fanconi anemia complementation group I (FANCI). Also called: FANCI-Related Fanconi Anemia. Identifiers: Orphanet 84, MedGen C1836861, MONDO:0012186, OMIM 609053.

Allele frequency attached by ClinVar (database versions not stated): TOPMed 0.00001.
gnomAD v4.1: 22 of 1,613,580 alleles (0.0014%); highest among the groups gnomAD compares: East Asian, 0.0022%; no homozygotes.

Submissions (7):

CeGaT Center for Human Genetics Tuebingen
Classification: Uncertain significance. Last evaluated: 2026-07-01. Review status: criteria provided, single submitter. Criteria: CeGaT Center For Human Genetics Tuebingen Variant Classification Criteria Version 2. Collection method: clinical testing. Allele origin: germline. Affected: yes. Observed: 1 variant allele.
Comment: POLG: PM2

PreventionGenetics, part of Exact Sciences
Classification: Uncertain significance for POLG-related condition. Last evaluated: 2025-10-09. Review status: criteria provided, single submitter. Criteria: ACMG Guidelines, 2015. Collection method: clinical testing. Allele origin: germline.
Comment: The POLG c.3700C>G variant is predicted to result in the amino acid substitution p.Arg1234Gly. To our knowledge, this variant has not been reported in the literature. This variant is reported in 0.0016% of alleles in individuals of European (Non-Finnish) descent in gnomAD. At this time, the clinical significance of this variant is uncertain due to the absence of conclusive functional and genetic evidence.

Mayo Clinic Laboratories, Mayo Clinic
Classification: Uncertain significance. Last evaluated: 2024-10-23. Review status: criteria provided, single submitter. Criteria: ACMG Guidelines, 2015. Collection method: clinical testing. Allele origin: germline. Observed: 1 variant allele.
Comment: BP4, PM2_supporting

Labcorp Genetics (formerly Invitae), Labcorp
Classification: Uncertain significance for Progressive sclerosing poliodystrophy. Last evaluated: 2024-09-11. Review status: criteria provided, single submitter. Criteria: Invitae Variant Classification Sherloc (09022015). Collection method: clinical testing. Allele origin: germline.
Comment: This sequence change replaces arginine, which is basic and polar, with glycine, which is neutral and non-polar, at codon 1234 of the POLG protein (p.Arg1234Gly). This variant is present in population databases (no rsID available, gnomAD 0.003%). This variant has not been reported in the literature in individuals affected with POLG-related conditions. ClinVar contains an entry for this variant (Variation ID: 317311). Invitae Evidence Modeling of protein sequence and biophysical properties (such as structural, functional, and spatial information, amino acid conservation, physicochemical variation, residue mobility, and thermodynamic stability) indicates that this missense variant is not expected to disrupt POLG protein function with a negative predictive value of 95%. In summary, the available evidence is currently insufficient to determine the role of this variant in disease. Therefore, it has been classified as a Variant of Uncertain Significance.

Blueprint Genetics
Classification: Uncertain significance. Last evaluated: 2023-07-27. Review status: criteria provided, single submitter. Criteria: ACMG Guidelines, 2015. Collection method: clinical testing. Allele origin: germline.

Illumina Laboratory Services, Illumina
Classification: Uncertain significance for POLG-Related Spectrum Disorders. Last evaluated: 2018-01-13. Review status: criteria provided, single submitter. Criteria: ICSL Variant Classification Criteria 13 December 2019. Collection method: clinical testing. Allele origin: germline.

Illumina Laboratory Services, Illumina
Classification: Uncertain significance for Fanconi anemia complementation group I. Last evaluated: 2018-01-12. Review status: criteria provided, single submitter. Criteria: ICSL Variant Classification Criteria 13 December 2019. Collection method: clinical testing. Allele origin: germline.

NM_002693.3(POLG):c.3700C>G (p.Arg1234Gly)

Genes: FANCI (FA complementation group I; plus strand), POLG (DNA polymerase gamma, catalytic subunit; minus strand). Cytogenetic location: 15q26.1.
Variant type: single nucleotide variant.
Coding change: c.3700C>G on transcript NM_002693.3 (MANE Select); coding-DNA position 3700, C replaced by G.
Protein change: p.Arg1234Gly; replaces arginine 1234 with glycine.
Molecular consequence: missense variant. On other transcripts: 3 prime UTR variant (4).
Genome position (GRCh38, 1-based): chr15:89,316,771, G>C on the plus strand (C>G on the coding strand, the complement: POLG is on the minus strand). VCF-style: chr15-89316771-G-C. GRCh37 (hg19) VCF-style: chr15-89860002-G-C.
Other names: p.Arg1234Gly; c.3700C>G, p.Arg1234Gly (NM_001126131.2); c.*312G>C (NM_001113378.2, NM_001376910.1, NM_001376911.1 and 1 more transcripts); short protein forms R1234G.
Identifiers: ClinVar variation 317311 (VCV000317311.17), dbSNP rs144346886, ClinGen allele CA10646677.